The following is an entry in ClinVar:

NM_001384732.1(CPLANE1):c.4243A>G (p.Arg1415Gly)

Gene: CPLANE1 (ciliogenesis and planar polarity effector complex subunit 1; minus strand). Cytogenetic location: 5p13.2.
Variant type: single nucleotide variant.
Coding change: c.4243A>G on transcript NM_001384732.1 (MANE Select); coding-DNA position 4243, A replaced by G.
Protein change: p.Arg1415Gly; replaces arginine 1415 with glycine.
Molecular consequence: missense variant.
Genome position (GRCh38, 1-based): chr5:37,185,026, T>C on the plus strand (A>G on the coding strand, the complement: CPLANE1 is on the minus strand). VCF-style: chr5-37185026-T-C. GRCh37 (hg19) VCF-style: chr5-37185128-T-C.
Other names: c.4243A>G, p.Arg1415Gly (NM_023073.4); short protein forms R1415G.
Identifiers: ClinVar variation 2571219 (VCV002571219.27), dbSNP rs2547855950, ClinGen allele CA359501753.
Genomic context (GRCh38, chr5:37,185,026, plus strand): 5'-CCCATATATTCACTTCAAAAGAGCCTATATTTCTCTGCACACGTTTTAGAGCTTTCACCC[T>C]CACTTTCTGGATAGAATGCATGACAACAGACATCATTTCCTCAGTCTGGGGTCCTGGAAA-3'
Protein context (NP_001371661.1, residues 1405-1425): SVVMHSIQKV[Arg1415Gly]VKALKRVQRN

ClinVar aggregate classification (germline): Uncertain significance (1 of 4 stars; one submission).

Submission:

CeGaT Center for Human Genetics Tuebingen
Classification: Uncertain significance. Last evaluated: 2023-05-01. Review status: criteria provided, single submitter. Criteria: CeGaT Center For Human Genetics Tuebingen Variant Classification Criteria Version 2. Collection method: clinical testing. Allele origin: germline. Affected: yes. Observed: 1 variant allele.
Comment: CPLANE1: PM2, BP4